The following is an entry in ClinVar:

ClinVar aggregate classification (germline): Pathogenic/Likely pathogenic. Review status: criteria provided, multiple submitters, no conflicts (2 of 4 stars). 3 submissions from 3 submitters: Pathogenic (2); Likely pathogenic (1). Last evaluated 2023-02-15.

Conditions:
Cardiovascular phenotype. Identifiers: MedGen CN230736.
Hereditary cancer-predisposing syndrome. Also called: Neoplastic Syndromes, Hereditary; Tumor predisposition; Hereditary Cancer Syndrome; Hereditary neoplastic syndrome. Identifiers: Orphanet 140162, MedGen C0027672, MeSH D009386, MONDO:0015356.

Submissions (3):

GeneDx
Classification: Likely pathogenic. Last evaluated: 2023-02-15. Review status: criteria provided, single submitter. Criteria: GeneDx Variant Classification Process June 2021. Collection method: clinical testing. Allele origin: germline. Affected: yes.
Comment: Frameshift variant predicted to result in protein truncation or nonsense mediated decay in a gene for which loss of function is a known mechanism of disease; Not observed at significant frequency in large population cohorts (gnomAD); Has not been previously published as pathogenic or benign to our knowledge

Labcorp Genetics (formerly Invitae), Labcorp
Classification: Pathogenic. Last evaluated: 2022-09-20. Review status: criteria provided, single submitter. Criteria: Invitae Variant Classification Sherloc (09022015). Collection method: clinical testing. Allele origin: germline.
Comment: This sequence change creates a premature translational stop signal (p.Pro226Hisfs*26) in the LZTR1 gene. It is expected to result in an absent or disrupted protein product. Loss-of-function variants in LZTR1 are known to be pathogenic (PMID: 24362817, 25335493, 25480913, 25795793, 29469822, 30368668, 30442762, 30442766, 30481304, 30859559). The frequency data for this variant in the population databases is considered unreliable, as metrics indicate poor data quality at this position in the gnomAD database. This variant has not been reported in the literature in individuals affected with LZTR1-related conditions. For these reasons, this variant has been classified as Pathogenic.

Ambry Genetics
Classification: Pathogenic for Cardiovascular phenotype; Hereditary cancer-predisposing syndrome. Last evaluated: 2021-10-27. Review status: criteria provided, single submitter. Criteria: Ambry Variant Classification Scheme 2023. Collection method: clinical testing. Allele origin: germline.
Comment: The c.677delC pathogenic mutation, located in coding exon 8 of the LZTR1 gene, results from a deletion of one nucleotide at nucleotide position 677, causing a translational frameshift with a predicted alternate stop codon (p.P226Hfs*26). This alteration is expected to result in loss of function by premature protein truncation or nonsense-mediated mRNA decay. Loss-of-function variants in LZTR1 are related to an increased risk for schwannomas and autosomal recessive Noonan syndrome; however, such associations with autosomal dominant Noonan syndrome have not been observed (Piotrowski A et al. Nat Genet. 2014 Feb;46:182-7; Yamamoto GL et al. J Med Genet. 2015 Jun;52:413-21; Johnston JJ et al. Genet Med. 2018 10;20:1175-1185). Based on the supporting evidence, this variant is pathogenic for an increased risk of LZTR1-related schwannomatosis (SWN) and would be expected to cause autosomal recessive Noonan syndrome when present along with a second pathogenic or likely pathogenic variant on the other allele; however, the association of this alteration with autosomal dominant Noonan syndrome is unlikely.

Literature cited by the submitters: PubMed 24362817 (cited by Labcorp Genetics (formerly Invitae), Labcorp); PubMed 25335493 (cited by Labcorp Genetics (formerly Invitae), Labcorp); PubMed 25480913 (cited by Labcorp Genetics (formerly Invitae), Labcorp); PubMed 25795793 (cited by Labcorp Genetics (formerly Invitae), Labcorp); PubMed 29469822 (cited by Labcorp Genetics (formerly Invitae), Labcorp); PubMed 30368668 (cited by Labcorp Genetics (formerly Invitae), Labcorp); PubMed 30442762 (cited by Labcorp Genetics (formerly Invitae), Labcorp); PubMed 30442766 (cited by Labcorp Genetics (formerly Invitae), Labcorp); PubMed 30481304 (cited by Labcorp Genetics (formerly Invitae), Labcorp); PubMed 30859559 (cited by Labcorp Genetics (formerly Invitae), Labcorp).

NM_006767.4(LZTR1):c.677del (p.Pro226fs)

Gene: LZTR1 (leucine zipper like post translational regulator 1; plus strand). Cytogenetic location: 22q11.21.
Variant type: Deletion.
Coding change: c.677del on transcript NM_006767.4 (MANE Select); coding-DNA position 677, one base deleted (C; older notation c.677delC).
Protein change: p.Pro226fs; shifts the reading frame from proline 226.
Molecular consequence: frameshift variant.
Genome position (GRCh38, 1-based): chr22:20,990,411, C deleted; the last of 6 consecutive C bases (chr22:20,990,406-20,990,411); deleting any one gives the same sequence. VCF-style (leftmost placement, unchanged base first): chr22-20990405-TC-T. GRCh37 (hg19) VCF-style: chr22-21344694-TC-T.
Other names: c.677delC (NM_006767.3); c.677del (NM_006767.3); short protein forms P226fs.
Identifiers: ClinVar variation 1755386 (VCV001755386.10), dbSNP rs777054968, ClinGen allele CA638555875.